The following is an entry in ClinVar:

ClinVar aggregate classification (germline): Uncertain significance. Review status: criteria provided, multiple submitters, no conflicts (2 of 4 stars). 2 submissions from 2 submitters: Uncertain significance (2). Last evaluated 2024-03-06.

Conditions:
Arrhythmogenic cardiomyopathy with wooly hair and keratoderma. Also called: Dilated cardiomyopathy with woolly hair and keratoderma; PALMOPLANTAR KERATODERMA WITH LEFT VENTRICULAR CARDIOMYOPATHY AND WOOLLY HAIR; Carvajal syndrome; Arrhythmogenic cardiomyopathy with woolly hair and keratoderma. Identifiers: Orphanet 65282, MedGen C1854063, MONDO:0011581, OMIM 605676.
Arrhythmogenic right ventricular dysplasia 8 (ARVD8). Also called: Arrhythmogenic Right Ventricular Dysplasia/Cardiomyopathy 8; ARRHYTHMOGENIC RIGHT VENTRICULAR DYSPLASIA, FAMILIAL, 8; ARRHYTHMOGENIC RIGHT VENTRICULAR CARDIOMYOPATHY 8. Identifiers: MedGen C1843896, MONDO:0011831, OMIM 607450.
Cardiomyopathy (CMYO). Also called: Cardiomyopathies. Identifiers: Orphanet 167848, MedGen C0878544, MONDO:0004994, HP:0001638. Inheritance: Various modes of inheritance.

Allele frequency attached by ClinVar (database versions not stated): gnomAD exomes below 0.00001; ExAC 0.00001.
gnomAD v4.1: 4 of 1,613,950 alleles (0.00025%); highest among the groups gnomAD compares: Non-Finnish European, 0.00034%; no homozygotes.

Submissions (2):

Color Diagnostics, LLC DBA Color Health
Classification: Uncertain significance for Cardiomyopathy. Last evaluated: 2024-03-06. Review status: criteria provided, single submitter. Criteria: ACMG Guidelines, 2015. Collection method: clinical testing. Allele origin: germline.
Comment: This missense variant replaces cysteine with arginine at codon 1100 of the DSP protein. Computational prediction is inconclusive regarding the impact of this variant on protein structure and function (internally defined REVEL score threshold 0.5 < inconclusive < 0.7, PMID: 27666373). To our knowledge, functional studies have not been reported for this variant. This variant has not been reported in individuals affected with cardiovascular disorders in the literature. This variant has been identified in 1/250792 chromosomes in the general population by the Genome Aggregation Database (gnomAD). The available evidence is insufficient to determine the role of this variant in disease conclusively. Therefore, this variant is classified as a Variant of Uncertain Significance.

Labcorp Genetics (formerly Invitae), Labcorp
Classification: Uncertain significance for Arrhythmogenic cardiomyopathy with wooly hair and keratoderma; Arrhythmogenic right ventricular dysplasia 8. Last evaluated: 2023-12-15. Review status: criteria provided, single submitter. Criteria: Invitae Variant Classification Sherloc (09022015). Collection method: clinical testing. Allele origin: germline.
Comment: This sequence change replaces cysteine, which is neutral and slightly polar, with arginine, which is basic and polar, at codon 1100 of the DSP protein (p.Cys1100Arg). This variant is present in population databases (rs757539604, gnomAD 0.0009%). This variant has not been reported in the literature in individuals affected with DSP-related conditions. ClinVar contains an entry for this variant (Variation ID: 1172152). An algorithm developed to predict the effect of missense changes on protein structure and function (PolyPhen-2) suggests that this variant is likely to be disruptive. In summary, the available evidence is currently insufficient to determine the role of this variant in disease. Therefore, it has been classified as a Variant of Uncertain Significance.

NM_004415.4(DSP):c.3298T>C (p.Cys1100Arg)

Gene: DSP (desmoplakin; plus strand). Cytogenetic location: 6p24.3.
Variant type: single nucleotide variant.
Coding change: c.3298T>C on transcript NM_004415.4 (MANE Select); coding-DNA position 3298, T replaced by C.
Protein change: p.Cys1100Arg; replaces cysteine 1100 with arginine.
Molecular consequence: missense variant.
Genome position (GRCh38, 1-based): chr6:7,579,488, T>C. VCF-style: chr6-7579488-T-C. GRCh37 (hg19) VCF-style: chr6-7579721-T-C.
Other names: c.3298T>C, p.Cys1100Arg (NM_001008844.3, NM_001319034.2); short protein forms C1100R.
Identifiers: ClinVar variation 1172152 (VCV001172152.9), dbSNP rs757539604, ClinGen allele CA037717.
Genomic context (GRCh38, chr6:7,579,488, plus strand): 5'-GAGGAGCTGAAGAGACAGGCTGAGCTGGATGGGAAGTCGGCTAAGCAAAATCTAGACAAG[T>C]GCTACGGCCAAATAAAAGAACTCAATGAGAAGATCACCCGACTGACTTATGAGATTGAAG-3'
Protein context (NP_004406.2, residues 1090-1110): GKSAKQNLDK[Cys1100Arg]YGQIKELNEK